The following is an entry in ClinVar:

ClinVar aggregate classification (germline): Pathogenic. Review status: criteria provided, single submitter (1 of 4 stars). 2 submissions from 2 submitters: Pathogenic (1). 1 of the submissions does not count toward it. Last evaluated 2025-05-01.

Conditions:
Osteogenesis imperfecta type I (OI1). Also called: OI, TYPE I; OSTEOGENESIS IMPERFECTA TARDA; OSTEOGENESIS IMPERFECTA WITH BLUE SCLERAE; Classic Non-deforming Osteogenesis Imperfecta with Blue Sclerae; Lobstein's Disease; Osteogenesis imperfecta type 1. Identifiers: Orphanet 216796, Orphanet 666, MedGen C0023931, MONDO:0008146, OMIM 166200. Disease mechanism: loss of function.

Submissions (2):

GeneDx
Classification: Pathogenic. Last evaluated: 2025-05-01. Review status: criteria provided, single submitter. Criteria: GeneDx Variant Classification Process June 2021. Collection method: clinical testing. Allele origin: germline. Affected: yes.
Comment: Frameshift variant predicted to result in protein truncation or nonsense mediated decay in a gene for which loss of function is a known mechanism of disease; Not observed at significant frequency in large population cohorts (gnomAD); Has not been previously published as pathogenic or benign to our knowledge

Autoinflammatory diseases unit, CHU de Montpellier
Classification: Pathogenic for Osteogenesis imperfecta type I. Last evaluated: 2024-10-02. Review status: no assertion criteria provided. Collection method: clinical testing. Allele origin: paternal. Affected: yes. Not counted in ClinVar's aggregate classification.

NM_000088.4(COL1A1):c.1532del (p.Arg511fs)

Gene: COL1A1 (collagen type I alpha 1 chain; minus strand). Cytogenetic location: 17q21.33.
Variant type: Deletion.
Coding change: c.1532del on transcript NM_000088.4 (MANE Select); coding-DNA position 1532, one base deleted (G; older notation c.1532delG).
Protein change: p.Arg511fs; shifts the reading frame from arginine 511.
Molecular consequence: frameshift variant.
Genome position (GRCh38, 1-based): chr17:50,194,431, C deleted on the plus strand (G on the coding strand, the reverse complement: COL1A1 is on the minus strand). VCF-style (leftmost placement, unchanged base first): chr17-50194430-AC-A. GRCh37 (hg19) VCF-style: chr17-48271791-AC-A.
Other names: c.1532delG, p.Arg511Leufs (NM_000088.3); c.1532del (NM_000088.3); c.1532delG (NM_000088.4); short protein forms R511fs.
Identifiers: ClinVar variation 3366890 (VCV003366890.2).